The following is an entry in ClinVar:

NM_015557.3(CHD5):c.1759A>G (p.Ile587Val)

Gene: CHD5 (chromodomain helicase DNA binding protein 5; minus strand). Cytogenetic location: 1p36.31.
Variant type: single nucleotide variant.
Coding change: c.1759A>G on transcript NM_015557.3 (MANE Select); coding-DNA position 1759, A replaced by G.
Protein change: p.Ile587Val; replaces isoleucine 587 with valine.
Molecular consequence: missense variant.
Genome position (GRCh38, 1-based): chr1:6,146,255, T>C on the plus strand (A>G on the coding strand, the complement: CHD5 is on the minus strand). VCF-style: chr1-6146255-T-C. GRCh37 (hg19) VCF-style: chr1-6206315-T-C.
Other names: short protein forms I587V.
Identifiers: ClinVar variation 2609429 (VCV002609429.3), dbSNP rs753649917, ClinGen allele CA556974.

ClinVar aggregate classification (germline): Uncertain significance. Review status: criteria provided, multiple submitters, no conflicts (2 of 4 stars). 2 submissions from 2 submitters: Uncertain significance (2). Last evaluated 2025-02-25.

Conditions:
Inborn genetic diseases. Identifiers: MedGen C0950123, MeSH D030342.

Allele frequency attached by ClinVar (database versions not stated): gnomAD exomes below 0.00001; TOPMed below 0.00001; ExAC 0.00001; gnomAD 0.00001.
gnomAD v4.1: 3 of 1,614,090 alleles (0.00019%); highest among the groups gnomAD compares: Non-Finnish European, 0.00025%; no homozygotes.

Submissions (2):

GeneDx
Classification: Uncertain significance. Last evaluated: 2025-02-25. Review status: criteria provided, single submitter. Criteria: GeneDx Variant Classification Process June 2021. Collection method: clinical testing. Allele origin: germline. Affected: yes.
Comment: In silico analysis indicates that this missense variant does not alter protein structure/function; Has not been previously published as pathogenic or benign to our knowledge

Ambry Genetics
Classification: Uncertain significance for Inborn genetic diseases. Last evaluated: 2023-07-05. Review status: criteria provided, single submitter. Criteria: Ambry Variant Classification Scheme 2023. Collection method: clinical testing. Allele origin: germline.